The following is an entry in ClinVar:

NM_005356.5(LCK):c.119A>G (p.Asn40Ser)

Gene: LCK (LCK proto-oncogene, Src family tyrosine kinase; plus strand). Cytogenetic location: 1p35.2.
Variant type: single nucleotide variant.
Coding change: c.119A>G on transcript NM_005356.5 (MANE Select); coding-DNA position 119, A replaced by G.
Protein change: p.Asn40Ser; replaces asparagine 40 with serine.
Molecular consequence: missense variant.
Genome position (GRCh38, 1-based): chr1:32,274,750, A>G. VCF-style: chr1-32274750-A-G. GRCh37 (hg19) VCF-style: chr1-32740351-A-G.
Other names: c.119A>G (NM_005356.3); c.119A>G, p.Asn40Ser (NM_001042771.3, NM_001330468.2); short protein forms N40S.
Identifiers: ClinVar variation 1495380 (VCV001495380.9), dbSNP rs752991931, ClinGen allele CA740988.

ClinVar aggregate classification (germline): Uncertain significance. Review status: criteria provided, multiple submitters, no conflicts (2 of 4 stars). 2 submissions from 2 submitters: Uncertain significance (2). Last evaluated 2025-04-13.

Conditions:
Severe combined immunodeficiency due to LCK deficiency. Also called: Immunodeficiency 22. Identifiers: Orphanet 280142, MedGen C4014233, MONDO:0014334, OMIM 615758.

Allele frequency attached by ClinVar (database versions not stated): ExAC 0.00001; gnomAD exomes 0.00001; TOPMed 0.00001.

Submissions (2):

Ambry Genetics
Classification: Uncertain significance. Last evaluated: 2025-04-13. Review status: criteria provided, single submitter. Criteria: Ambry Variant Classification Scheme 2023. Collection method: clinical testing. Allele origin: germline.

Labcorp Genetics (formerly Invitae), Labcorp
Classification: Uncertain significance for Severe combined immunodeficiency due to LCK deficiency. Last evaluated: 2022-02-11. Review status: criteria provided, single submitter. Criteria: Invitae Variant Classification Sherloc (09022015). Collection method: clinical testing. Allele origin: germline.
Comment: In summary, the available evidence is currently insufficient to determine the role of this variant in disease. Therefore, it has been classified as a Variant of Uncertain Significance. Algorithms developed to predict the effect of missense changes on protein structure and function (SIFT, PolyPhen-2, Align-GVGD) all suggest that this variant is likely to be tolerated. This variant has not been reported in the literature in individuals affected with LCK-related conditions. This variant is present in population databases (rs752991931, gnomAD 0.007%). This sequence change replaces asparagine, which is neutral and polar, with serine, which is neutral and polar, at codon 40 of the LCK protein (p.Asn40Ser).